The following is an entry in ClinVar:

ClinVar aggregate classification (germline): Uncertain significance (1 of 4 stars; one submission).

gnomAD v4.1: 2 of 1,613,832 alleles (0.00012%); highest among the groups gnomAD compares: Non-Finnish European, 0.00017%; no homozygotes.

Submission:

GeneDx
Classification: Uncertain significance. Last evaluated: 2026-01-07. Review status: criteria provided, single submitter. Criteria: GeneDx Variant Classification Process June 2021. Collection method: clinical testing. Allele origin: germline.
Comment: Not observed at significant frequency in large population cohorts (gnomAD); In silico analysis suggests that this missense variant does not alter protein structure/function; Has not been previously published as pathogenic or benign to our knowledge

NM_007289.4(MME):c.1057A>G (p.Thr353Ala)

Gene: MME (membrane metalloendopeptidase; plus strand). Cytogenetic location: 3q25.2.
Variant type: single nucleotide variant.
Coding change: c.1057A>G on transcript NM_007289.4 (MANE Select); coding-DNA position 1057, A replaced by G.
Protein change: p.Thr353Ala; replaces threonine 353 with alanine.
Molecular consequence: missense variant.
Genome position (GRCh38, 1-based): chr3:155,142,090, A>G. VCF-style: chr3-155142090-A-G. GRCh37 (hg19) VCF-style: chr3-154859879-A-G.
Other names: c.1057A>G, p.Thr353Ala (NM_000902.5, NM_001354642.2, NM_001354643.1 and 2 more transcripts); short protein forms T353A.
Identifiers: ClinVar variation 3369364 (VCV003369364.2).